The following is an entry in ClinVar:

NM_001127222.2(CACNA1A):c.5506G>A (p.Ala1836Thr)

Gene: CACNA1A (calcium voltage-gated channel subunit alpha1 A; minus strand). Cytogenetic location: 19p13.13.
Variant type: single nucleotide variant.
Coding change: c.5506G>A on transcript NM_001127222.2 (MANE Select); coding-DNA position 5506, G replaced by A.
Protein change: p.Ala1836Thr; replaces alanine 1836 with threonine.
Molecular consequence: missense variant.
Genome position (GRCh38, 1-based): chr19:13,230,104, C>T on the plus strand (G>A on the coding strand, the complement: CACNA1A is on the minus strand). VCF-style: chr19-13230104-C-T. GRCh37 (hg19) VCF-style: chr19-13340918-C-T.
Other names: c.5524G>A, p.Ala1842Thr (NM_000068.4, NM_023035.3); c.5509G>A, p.Ala1837Thr (NM_001127221.2); c.5515G>A, p.Ala1839Thr (NM_001174080.2); short protein forms A1836T, A1842T, A1839T, A1837T.
Identifiers: ClinVar variation 2952740 (VCV002952740.3), dbSNP rs2512617680, ClinGen allele CA404333342.

ClinVar aggregate classification (germline): Uncertain significance (1 of 4 stars; one submission).

Conditions:
Episodic ataxia type 2 (EA2). Also called: CEREBELLAR ATAXIA, PAROXYSMAL, ACETAZOLAMIDE-RESPONSIVE; CEREBELLOPATHY, HEREDITARY PAROXYSMAL; EPISODIC ATAXIA, NYSTAGMUS-ASSOCIATED; ACETAZOLAMIDE-RESPONSIVE HEREDITARY PAROXYSMAL CEREBELLAR ATAXIA; ATAXIA, EPISODIC, WITH NYSTAGMUS; ATAXIA, FAMILIAL PAROXYSMAL. Identifiers: Orphanet 97, MedGen C1720416, MONDO:0007163, OMIM 108500.
Developmental and epileptic encephalopathy, 42 (DEE42A). Also called: Epileptic encephalopathy, early infantile, 42; DEVELOPMENTAL AND EPILEPTIC ENCEPHALOPATHY 42A; EPILEPTIC ENCEPHALOPATHY, EARLY INFANTILE, 42A. Identifiers: MedGen C4310716, MONDO:0014917, OMIM 617106.

Submission:

Labcorp Genetics (formerly Invitae), Labcorp
Classification: Uncertain significance for Developmental and epileptic encephalopathy, 42; Episodic ataxia type 2. Last evaluated: 2024-01-08. Review status: criteria provided, single submitter. Criteria: Invitae Variant Classification Sherloc (09022015). Collection method: clinical testing. Allele origin: germline.
Comment: This sequence change replaces alanine, which is neutral and non-polar, with threonine, which is neutral and polar, at codon 1837 of the CACNA1A protein (p.Ala1837Thr). This variant is not present in population databases (gnomAD no frequency). This variant has not been reported in the literature in individuals affected with CACNA1A-related conditions. Advanced modeling of protein sequence and biophysical properties (such as structural, functional, and spatial information, amino acid conservation, physicochemical variation, residue mobility, and thermodynamic stability) performed at Invitae indicates that this missense variant is expected to disrupt CACNA1A protein function with a positive predictive value of 95%. In summary, the available evidence is currently insufficient to determine the role of this variant in disease. Therefore, it has been classified as a Variant of Uncertain Significance.